The following is an entry in ClinVar:

NM_014946.4(SPAST):c.925del (p.Arg309fs)

Gene: SPAST (spastin; plus strand). Cytogenetic location: 2p22.3.
Variant type: Deletion.
Coding change: c.925del on transcript NM_014946.4 (MANE Select); coding-DNA position 925, one base deleted (C; older notation c.925delC).
Protein change: p.Arg309fs; shifts the reading frame from arginine 309.
Molecular consequence: frameshift variant.
Genome position (GRCh38, 1-based): chr2:32,115,756, C deleted. VCF-style (leftmost placement, unchanged base first): chr2-32115755-TC-T. GRCh37 (hg19) VCF-style: chr2-32340824-TC-T.
Other names: c.925delC (NM_014946.3); c.922del, p.Arg308fs (NM_001363823.2); c.826del, p.Arg276fs (NM_001363875.2); c.829del, p.Arg277fs (NM_001377959.1, NM_199436.2); short protein forms R277fs, R308fs, R309fs, R276fs.
Identifiers: ClinVar variation 216113 (VCV000216113.8), dbSNP rs863224515, ClinGen allele CA335970.

ClinVar aggregate classification (germline): Pathogenic (1 of 4 stars; one submission).

Conditions:
Hereditary spastic paraplegia 4. Also called: Spastic paraplegia 4, autosomal dominant; Spastic Paraplegia 4; Familial spastic paraplegia autosomal dominant 2. Identifiers: Orphanet 100985, MedGen C1866855, MONDO:0008438, OMIM 182601.

Submission:

Labcorp Genetics (formerly Invitae), Labcorp
Classification: Pathogenic for Hereditary spastic paraplegia 4. Last evaluated: 2025-03-26. Review status: criteria provided, single submitter. Criteria: Invitae Variant Classification Sherloc (09022015). Collection method: clinical testing. Allele origin: germline.
Comment: This sequence change creates a premature translational stop signal (p.Arg309Valfs*6) in the SPAST gene. It is expected to result in an absent or disrupted protein product. Loss-of-function variants in SPAST are known to be pathogenic (PMID: 20932283). This variant is not present in population databases (gnomAD no frequency). This variant has not been reported in the literature in individuals affected with SPAST-related conditions. ClinVar contains an entry for this variant (Variation ID: 216113). For these reasons, this variant has been classified as Pathogenic.

Literature cited by the submitters: PubMed 20932283.